The following is an entry in ClinVar:

NM_000719.7(CACNA1C):c.1554C>T (p.Arg518=)

Gene: CACNA1C (calcium voltage-gated channel subunit alpha1 C; plus strand). Cytogenetic location: 12p13.33.
Variant type: single nucleotide variant.
Coding change: c.1554C>T on transcript NM_000719.7 (MANE Select); coding-DNA position 1554, C replaced by T.
Protein change: p.Arg518=; no amino-acid change (arginine 518 retained).
Molecular consequence: synonymous variant.
Genome position (GRCh38, 1-based): chr12:2,566,467, C>T. VCF-style: chr12-2566467-C-T. GRCh37 (hg19) VCF-style: chr12-2675633-C-T.
Other names: c.1554C>T (NM_199460.3); c.1554C>T, p.Arg518= (NM_001129827.2, NM_001129829.2, NM_001129830.3 and 18 more transcripts); c.1545C>T, p.Arg515= (NM_001129844.2).
Identifiers: ClinVar variation 93394 (VCV000093394.48), dbSNP rs398123517, ClinGen allele CA221254.

ClinVar aggregate classification (germline): Conflicting classifications of pathogenicity. Review status: criteria provided, conflicting classifications (1 of 4 stars). 8 submissions from 8 submitters: Uncertain significance (1); Likely benign (7). Last evaluated 2026-07-30.

Conditions:
Cardiovascular phenotype. Identifiers: MedGen CN230736.
CACNA1C-related disorder. Also called: CACNA1C-related condition; CACNA1C-related disorders. Identifiers: MedGen CN381092, MONDO:0700321.
Long QT syndrome (LQTS). Identifiers: MedGen C0023976, MeSH D008133, MONDO:0002442. Disease mechanism: loss of function. Inheritance: Various modes of inheritance.

Allele frequency attached by ClinVar (database versions not stated): TOPMed 0.00003; gnomAD 0.00004; gnomAD exomes 0.00004 and 0.00005; ExAC 0.00008.
gnomAD v4.1: 75 of 1,595,928 alleles (0.0047%); highest among the groups gnomAD compares: South Asian, 0.031%; no homozygotes.

Submissions (8):

PreventionGenetics, part of Exact Sciences
Classification: Likely benign for CACNA1C-related condition. Last evaluated: 2026-07-30. Review status: criteria provided, single submitter. Criteria: ACMG Guidelines, 2015. Collection method: clinical testing. Allele origin: germline.
Comment: This variant is classified as likely benign based on ACMG/AMP sequence variant interpretation guidelines (Richards et al. 2015 PMID: 25741868, with internal and published modifications).

Labcorp Genetics (formerly Invitae), Labcorp
Classification: Likely benign for Long QT syndrome. Last evaluated: 2026-02-03. Review status: criteria provided, single submitter. Criteria: Invitae Variant Classification Sherloc (09022015). Collection method: clinical testing. Allele origin: germline.

Molecular Diagnostic Laboratory for Inherited Cardiovascular Disease, Montreal Heart Institute
Classification: Likely benign. Last evaluated: 2025-04-09. Review status: criteria provided, single submitter. Criteria: ACMG Guidelines, 2015. Collection method: clinical testing. Allele origin: germline. Affected: no.

Blueprint Genetics
Classification: Likely benign. Last evaluated: 2024-05-30. Review status: criteria provided, single submitter. Criteria: ACMG Guidelines, 2015. Collection method: clinical testing. Allele origin: germline.

CeGaT Center for Human Genetics Tuebingen
Classification: Likely benign. Last evaluated: 2022-12-01. Review status: criteria provided, single submitter. Criteria: CeGaT Center For Human Genetics Tuebingen Variant Classification Criteria Version 2. Collection method: clinical testing. Allele origin: germline. Affected: yes. Observed: 1 variant allele.
Comment: CACNA1C: BP4, BP7

GeneDx
Classification: Likely benign. Last evaluated: 2020-05-11. Review status: criteria provided, single submitter. Criteria: GeneDx Variant Classification Process June 2021. Collection method: clinical testing. Allele origin: germline. Affected: yes.

Ambry Genetics
Classification: Likely benign for Cardiovascular phenotype. Last evaluated: 2019-06-25. Review status: criteria provided, single submitter. Criteria: Ambry Variant Classification Scheme 2023. Collection method: clinical testing. Allele origin: germline.

Eurofins Ntd Llc (ga)
Classification: Uncertain significance. Last evaluated: 2013-10-21. Review status: criteria provided, single submitter. Criteria: EGL Classification Definitions 2015. Collection method: clinical testing. Allele origin: germline. Observed: 2 variant alleles, 2 heterozygotes.